The following is an entry in ClinVar:

NM_005045.4(RELN):c.4192G>A (p.Val1398Met)

Gene: RELN (reelin; minus strand). Cytogenetic location: 7q22.1.
Variant type: single nucleotide variant.
Coding change: c.4192G>A on transcript NM_005045.4 (MANE Select); coding-DNA position 4192, G replaced by A.
Protein change: p.Val1398Met; replaces valine 1398 with methionine.
Molecular consequence: missense variant.
Genome position (GRCh38, 1-based): chr7:103,575,659, C>T on the plus strand (G>A on the coding strand, the complement: RELN is on the minus strand). VCF-style: chr7-103575659-C-T. GRCh37 (hg19) VCF-style: chr7-103216106-C-T.
Other names: c.4192G>A, p.Val1398Met (NM_173054.3); short protein forms V1398M.
Identifiers: ClinVar variation 2938667 (VCV002938667.3), dbSNP rs747794685, ClinGen allele CA4421574.

ClinVar aggregate classification (germline): Uncertain significance (1 of 4 stars; one submission).

Conditions:
Norman-Roberts syndrome (LIS2). Also called: Lissencephaly 2 (Norman-Roberts type). Identifiers: Orphanet 89844, MedGen C0796089, MONDO:0009760, OMIM 257320.
Familial temporal lobe epilepsy 7. Identifiers: Orphanet 101046, MedGen C4225327, MONDO:0014639, OMIM 616436.

gnomAD v4.1: 9 of 1,614,086 alleles (0.00056%); highest among the groups gnomAD compares: Non-Finnish European, 0.00076%; no homozygotes.

Submission:

Labcorp Genetics (formerly Invitae), Labcorp
Classification: Uncertain significance for Familial temporal lobe epilepsy 7; Norman-Roberts syndrome. Last evaluated: 2023-02-24. Review status: criteria provided, single submitter. Criteria: Invitae Variant Classification Sherloc (09022015). Collection method: clinical testing. Allele origin: germline.
Comment: In summary, the available evidence is currently insufficient to determine the role of this variant in disease. Therefore, it has been classified as a Variant of Uncertain Significance. Advanced modeling of protein sequence and biophysical properties (such as structural, functional, and spatial information, amino acid conservation, physicochemical variation, residue mobility, and thermodynamic stability) performed at Invitae indicates that this missense variant is not expected to disrupt RELN protein function. This variant has not been reported in the literature in individuals affected with RELN-related conditions. This variant is present in population databases (rs747794685, gnomAD 0.0009%). This sequence change replaces valine, which is neutral and non-polar, with methionine, which is neutral and non-polar, at codon 1398 of the RELN protein (p.Val1398Met).